The following is an entry in ClinVar:

NM_032638.5(GATA2):c.1180C>A (p.Gln394Lys)

Gene: GATA2 (GATA binding protein 2; minus strand). Cytogenetic location: 3q21.3.
Variant type: single nucleotide variant.
Coding change: c.1180C>A on transcript NM_032638.5 (MANE Select); coding-DNA position 1180, C replaced by A.
Protein change: p.Gln394Lys; replaces glutamine 394 with lysine.
Molecular consequence: missense variant.
Genome position (GRCh38, 1-based): chr3:128,481,282, G>T on the plus strand (C>A on the coding strand, the complement: GATA2 is on the minus strand). VCF-style: chr3-128481282-G-T. GRCh37 (hg19) VCF-style: chr3-128200125-G-T.
Other names: c.1180C>A, p.Gln394Lys (NM_001145661.2); c.1138C>A, p.Gln380Lys (NM_001145662.1); short protein forms Q380K, Q394K.
Identifiers: ClinVar variation 4871676 (VCV004871676.1).

ClinVar aggregate classification (germline): Uncertain significance (1 of 4 stars; one submission).

Conditions:
Inborn genetic diseases. Identifiers: MedGen C0950123, MeSH D030342.

Submission:

Ambry Genetics
Classification: Uncertain significance for Inborn genetic diseases. Last evaluated: 2026-04-04. Review status: criteria provided, single submitter. Criteria: Ambry Variant Classification Scheme 2023. Collection method: clinical testing. Allele origin: germline.
Comment: The p.Q394K variant (also known as c.1180C>A), located in coding exon 5 of the GATA2 gene, results from a C to A substitution at nucleotide position 1180. The glutamine at codon 394 is replaced by lysine, an amino acid with similar properties. This amino acid position is conserved. In addition, this alteration is predicted to be deleterious by in silico analysis. Based on the available evidence, the clinical significance of this variant remains unclear.